The following is an entry in ClinVar:

NM_000256.3(MYBPC3):c.1285del (p.Ala429fs)

Gene: MYBPC3 (myosin binding protein C3; minus strand). Cytogenetic location: 11p11.2.
Variant type: Deletion.
Coding change: c.1285del on transcript NM_000256.3 (MANE Select); coding-DNA position 1285, one base deleted (G; older notation c.1285delG).
Protein change: p.Ala429fs; shifts the reading frame from alanine 429.
Molecular consequence: frameshift variant.
Genome position (GRCh38, 1-based): chr11:47,343,087, C deleted on the plus strand (G on the coding strand, the reverse complement: MYBPC3 is on the minus strand); the first of 2 consecutive C bases (chr11:47,343,087-47,343,088); deleting either gives the same sequence. VCF-style (leftmost placement, unchanged base first): chr11-47343086-GC-G. GRCh37 (hg19) VCF-style: chr11-47364637-GC-G.
Other names: short protein forms A429fs.
Identifiers: ClinVar variation 2578093 (VCV002578093.1), dbSNP rs2495764226, ClinGen allele CA2580617705.

ClinVar aggregate classification (germline): Likely pathogenic (1 of 4 stars; one submission).

Submission:

GeneDx
Classification: Likely pathogenic. Last evaluated: 2023-03-01. Review status: criteria provided, single submitter. Criteria: GeneDx Variant Classification Process June 2021. Collection method: clinical testing. Allele origin: germline. Affected: yes.
Comment: Frameshift variant predicted to result in protein truncation or nonsense mediated decay in a gene for which loss of function is a known mechanism of disease; Not observed at significant frequency in large population cohorts (gnomAD); Has not been previously published as pathogenic or benign to our knowledge